The following is an entry in ClinVar:

NM_015046.7(SETX):c.3433C>T (p.Arg1145Trp)

Gene: SETX (senataxin; minus strand). Cytogenetic location: 9q34.13.
Variant type: single nucleotide variant.
Coding change: c.3433C>T on transcript NM_015046.7 (MANE Select); coding-DNA position 3433, C replaced by T.
Protein change: p.Arg1145Trp; replaces arginine 1145 with tryptophan.
Molecular consequence: missense variant.
Genome position (GRCh38, 1-based): chr9:132,328,165, G>A on the plus strand (C>T on the coding strand, the complement: SETX is on the minus strand). VCF-style: chr9-132328165-G-A. GRCh37 (hg19) VCF-style: chr9-135203552-G-A.
Other names: c.3433C>T, p.Arg1145Trp (NM_001351527.2, NM_001351528.2); short protein forms R1145W.
Identifiers: ClinVar variation 660267 (VCV000660267.9), dbSNP rs375796832, ClinGen allele CA5297403.
Genomic context (GRCh38, chr9:132,328,165, plus strand): 5'-ATCGTTTTCTCTTAGGCTTTTTTACTTCAATTTCACAAAATTCTTCAACAGAAATACTCC[G>A]TGGTCTTGTGTGTTCTTCAATGCCCTCTGCTCCTTTTTTAACAACTTCAGATACATAATC-3'
Protein context (NP_055861.3, residues 1135-1155): AEGIEEHTRP[Arg1145Trp]SISVEEFCEI

ClinVar aggregate classification (germline): Conflicting classifications of pathogenicity. Review status: criteria provided, conflicting classifications (1 of 4 stars). 3 submissions from 3 submitters: Uncertain significance (2); Benign (1). Last evaluated 2025-05-06.

Conditions:
Amyotrophic lateral sclerosis type 4 (ALS4). Also called: AMYOTROPHIC LATERAL SCLEROSIS 4, JUVENILE; NEURONOPATHY, DISTAL HEREDITARY MOTOR, WITH PYRAMIDAL FEATURES. Identifiers: Orphanet 357043, MedGen C1865409, MONDO:0011223, OMIM 602433.
Spinocerebellar ataxia, autosomal recessive, with axonal neuropathy 2 (SCAN2). Also called: Ataxia-ocular apraxia-2; Ataxia with Oculomotor Apraxia Type 2; ATAXIA-OCULOMOTOR APRAXIA 2; Ataxia with Oculomotor Apraxia. Identifiers: Orphanet 64753, MedGen C1853761, MONDO:0018996, OMIM 606002.
SETX-related disorder. Also called: SETX-related disorders; SETX-related condition. Identifiers: MedGen CN239403.
Limb-girdle muscular dystrophy (LGMD). Also called: Muscular Dystrophies, Limb-Girdle. Identifiers: Orphanet 263, MedGen C0686353, MeSH D049288, MONDO:0016971, HP:0006785.

Allele frequency attached by ClinVar (database versions not stated): ExAC 0.00001; gnomAD 0.00001; TOPMed 0.00001; gnomAD exomes 0.00002.
gnomAD v4.1: 31 of 1,613,970 alleles (0.0019%); highest among the groups gnomAD compares: Admixed American, 0.0083%; no homozygotes.

Submissions (3):

PreventionGenetics, part of Exact Sciences
Classification: Uncertain significance for SETX-related condition. Last evaluated: 2025-05-06. Review status: criteria provided, single submitter. Criteria: ACMG Guidelines, 2015. Collection method: clinical testing. Allele origin: germline.
Comment: The SETX c.3433C>T variant is predicted to result in the amino acid substitution p.Arg1145Trp. To our knowledge, this variant has not been reported in the literature. This variant is reported in 0.0056% of alleles in individuals of Latino descent in gnomAD. At this time, the clinical significance of this variant is uncertain due to the absence of conclusive functional and genetic evidence.

Labcorp Genetics (formerly Invitae), Labcorp
Classification: Benign for Amyotrophic lateral sclerosis type 4; Spinocerebellar ataxia, autosomal recessive, with axonal neuropathy 2. Last evaluated: 2024-02-05. Review status: criteria provided, single submitter. Criteria: Invitae Variant Classification Sherloc (09022015). Collection method: clinical testing. Allele origin: germline.

Cambridge Genomics Laboratory, East Genomic Laboratory Hub, NHS Genomic Medicine Service
Classification: Uncertain significance for Limb-girdle muscular dystrophy. Last evaluated: 2019-08-28. Review status: criteria provided, single submitter. Criteria: ACGS Best Practice Guidelines for Variant Classification in Rare Disease 2020. Collection method: clinical testing. Allele origin: germline. Affected: yes. Observed: 1 variant allele.